The following is an entry in ClinVar:

NM_144666.3(DNHD1):c.11361C>T (p.Thr3787=)

Gene: DNHD1 (dynein heavy chain domain 1; plus strand). Cytogenetic location: 11p15.4.
Variant type: single nucleotide variant.
Coding change: c.11361C>T on transcript NM_144666.3 (MANE Select); coding-DNA position 11361, C replaced by T.
Protein change: p.Thr3787=; no amino-acid change (threonine 3787 retained).
Molecular consequence: synonymous variant.
Genome position (GRCh38, 1-based): chr11:6,566,741, C>T. VCF-style: chr11-6566741-C-T. GRCh37 (hg19) VCF-style: chr11-6587971-C-T.
Identifiers: ClinVar variation 3771880 (VCV003771880.13).

ClinVar aggregate classification (germline): Likely benign (1 of 4 stars; one submission).

gnomAD v4.1: 24 of 1,610,936 alleles (0.0015%); highest among the groups gnomAD compares: Non-Finnish European, 0.0017%; no homozygotes.

Submission:

CeGaT Center for Human Genetics Tuebingen
Classification: Likely benign. Last evaluated: 2025-02-01. Review status: criteria provided, single submitter. Criteria: CeGaT Center For Human Genetics Tuebingen Variant Classification Criteria Version 2. Collection method: clinical testing. Allele origin: germline. Affected: yes. Observed: 1 variant allele.
Comment: DNHD1: BP4, BP7